The following is an entry in ClinVar:

NM_002470.4(MYH3):c.2248A>G (p.Ile750Val)

Gene: MYH3 (myosin heavy chain 3; minus strand). Cytogenetic location: 17p13.1.
Variant type: single nucleotide variant.
Coding change: c.2248A>G on transcript NM_002470.4 (MANE Select); coding-DNA position 2248, A replaced by G.
Protein change: p.Ile750Val; replaces isoleucine 750 with valine.
Molecular consequence: missense variant.
Genome position (GRCh38, 1-based): chr17:10,640,604, T>C on the plus strand (A>G on the coding strand, the complement: MYH3 is on the minus strand). VCF-style: chr17-10640604-T-C. GRCh37 (hg19) VCF-style: chr17-10543921-T-C.
Other names: short protein forms I750V.
Identifiers: ClinVar variation 2700482 (VCV002700482.3), dbSNP rs2508603299, ClinGen allele CA398165091.

ClinVar aggregate classification (germline): Uncertain significance (1 of 4 stars; one submission).

Submission:

Labcorp Genetics (formerly Invitae), Labcorp
Classification: Uncertain significance. Last evaluated: 2024-03-01. Review status: criteria provided, single submitter. Criteria: Invitae Variant Classification Sherloc (09022015). Collection method: clinical testing. Allele origin: germline.
Comment: This sequence change replaces isoleucine, which is neutral and non-polar, with valine, which is neutral and non-polar, at codon 750 of the MYH3 protein (p.Ile750Val). This variant is not present in population databases (gnomAD no frequency). This variant has not been reported in the literature in individuals affected with MYH3-related conditions. Advanced modeling of protein sequence and biophysical properties (such as structural, functional, and spatial information, amino acid conservation, physicochemical variation, residue mobility, and thermodynamic stability) performed at Invitae indicates that this missense variant is not expected to disrupt MYH3 protein function with a negative predictive value of 95%. In summary, the available evidence is currently insufficient to determine the role of this variant in disease. Therefore, it has been classified as a Variant of Uncertain Significance.